The following is an entry in ClinVar:

ClinVar aggregate classification (germline): Uncertain significance (1 of 4 stars; one submission).

Conditions:
SMAD1-related disorder. Also called: SMAD1-related condition.

Submission:

PreventionGenetics, part of Exact Sciences
Classification: Uncertain significance for SMAD1-related condition. Last evaluated: 2026-02-07. Review status: criteria provided, single submitter. Criteria: ACMG Guidelines, 2015. Collection method: clinical testing. Allele origin: germline.
Comment: The SMAD1 c.782A>C variant is predicted to result in the amino acid substitution p.Gln261Pro. To our knowledge, this variant has not been reported in the literature or in a large population database (gnomAD), indicating this variant is rare. At this time, the clinical significance of this variant is uncertain due to the absence of conclusive functional and genetic evidence.

NM_005900.3(SMAD1):c.782A>C (p.Gln261Pro)

Gene: SMAD1 (SMAD family member 1; plus strand). Cytogenetic location: 4q31.21.
Variant type: single nucleotide variant.
Coding change: c.782A>C on transcript NM_005900.3 (MANE Select); coding-DNA position 782, A replaced by C.
Protein change: p.Gln261Pro; replaces glutamine 261 with proline.
Molecular consequence: missense variant.
Genome position (GRCh38, 1-based): chr4:145,546,709, A>C. VCF-style: chr4-145546709-A-C. GRCh37 (hg19) VCF-style: chr4-146467861-A-C.
Other names: c.782A>C, p.Gln261Pro (NM_001003688.1, NM_001354811.1, NM_001354812.1 and 4 more transcripts); short protein forms Q261P.
Identifiers: ClinVar variation 4991049 (VCV004991049.1).